The following is an entry in ClinVar:

ClinVar aggregate classification (germline): Uncertain significance (1 of 4 stars; one submission).

Conditions:
LRRC45-related disorder. Also called: LRRC45-related condition.

gnomAD v4.1: 10 of 1,602,654 alleles (0.00062%); highest among the groups gnomAD compares: Admixed American, 0.0034%; no homozygotes.

Submission:

PreventionGenetics, part of Exact Sciences
Classification: Uncertain significance for LRRC45-related condition. Last evaluated: 2025-04-10. Review status: criteria provided, single submitter. Criteria: ACMG Guidelines, 2015. Collection method: clinical testing. Allele origin: germline.
Comment: The LRRC45 c.754C>T variant is predicted to result in the amino acid substitution p.Arg252Trp. To our knowledge, this variant has not been reported in the literature. This variant is reported in 0.0031% of alleles in individuals of Latino descent in gnomAD. At this time, the clinical significance of this variant is uncertain due to the absence of conclusive functional and genetic evidence.

NM_144999.4(LRRC45):c.754C>T (p.Arg252Trp)

Gene: LRRC45 (leucine rich repeat containing 45; plus strand). Cytogenetic location: 17q25.3.
Variant type: single nucleotide variant.
Coding change: c.754C>T on transcript NM_144999.4 (MANE Select); coding-DNA position 754, C replaced by T.
Protein change: p.Arg252Trp; replaces arginine 252 with tryptophan.
Molecular consequence: missense variant.
Genome position (GRCh38, 1-based): chr17:82,026,991, C>T. VCF-style: chr17-82026991-C-T. GRCh37 (hg19) VCF-style: chr17-79984867-C-T.
Other names: short protein forms R252W.
Identifiers: ClinVar variation 4989021 (VCV004989021.1).
Genomic context (GRCh38, chr17:82,026,991, plus strand): 5'-ACCACCTTCCAGGAGAACCAAGCCCGCACTCACGTCCTCAGCAAGGAGGTCCAGCACCTC[C>T]GGGAGGAGAAGTCCAAGCAGGTGAGGATGGCGCCTTCACTGACCTTGGAGCTGCTTATGG-3'
Protein context (NP_659436.1, residues 242-262): HVLSKEVQHL[Arg252Trp]EEKSKQFLDL